The following is an entry in ClinVar:

ClinVar aggregate classification (germline): Uncertain significance (1 of 4 stars; one submission).

gnomAD v4.1: 4 of 1,211,987 alleles (0.00033%); highest among the groups gnomAD compares: Non-Finnish European, 0.00045%; no homozygotes.

Submission:

GeneDx
Classification: Uncertain significance. Last evaluated: 2023-05-17. Review status: criteria provided, single submitter. Criteria: GeneDx Variant Classification Process June 2021. Collection method: clinical testing. Allele origin: germline. Affected: yes.
Comment: Not observed at significant frequency in large population cohorts (gnomAD); In silico analysis supports that this missense variant does not alter protein structure/function; Has not been previously published as pathogenic or benign to our knowledge

NM_001039591.3(USP9X):c.6898G>A (p.Val2300Ile)

Gene: USP9X (ubiquitin specific peptidase 9 X-linked; plus strand). Cytogenetic location: Xp11.4.
Variant type: single nucleotide variant.
Coding change: c.6898G>A on transcript NM_001039591.3 (MANE Select); coding-DNA position 6898, G replaced by A.
Protein change: p.Val2300Ile; replaces valine 2300 with isoleucine.
Molecular consequence: missense variant.
Genome position (GRCh38, 1-based): chrX:41,224,888, G>A. VCF-style: chrX-41224888-G-A. GRCh37 (hg19) VCF-style: chrX-41084141-G-A.
Other names: c.6898G>A, p.Val2300Ile (NM_001039590.3); c.6913G>A, p.Val2305Ile (NM_001410748.1, NM_001410749.1); short protein forms V2300I, V2305I.
Identifiers: ClinVar variation 3343564 (VCV003343564.1).